The following is an entry in ClinVar:

ClinVar aggregate classification (germline): Uncertain significance (1 of 4 stars; one submission).

Conditions:
Inborn genetic diseases. Identifiers: MedGen C0950123, MeSH D030342.

Submission:

Ambry Genetics
Classification: Uncertain significance for Inborn genetic diseases. Last evaluated: 2026-07-30. Review status: criteria provided, single submitter. Criteria: Ambry Variant Classification Scheme 2023. Collection method: clinical testing. Allele origin: germline.
Comment: The p.E417G variant (also known as c.1250A>G), located in coding exon 7 of the FANCM gene, results from an A to G substitution at nucleotide position 1250. The glutamic acid at codon 417 is replaced by glycine, an amino acid with similar properties. This amino acid position is conserved. In addition, this alteration is predicted to be tolerated by in silico analysis. Based on the available evidence, the clinical significance of this variant remains unclear.

NM_020937.4(FANCM):c.1250A>G (p.Glu417Gly)

Gene: FANCM (FA complementation group M; plus strand). Cytogenetic location: 14q21.2.
Variant type: single nucleotide variant.
Coding change: c.1250A>G on transcript NM_020937.4 (MANE Select); coding-DNA position 1250, A replaced by G.
Protein change: p.Glu417Gly; replaces glutamic acid 417 with glycine.
Molecular consequence: missense variant.
Genome position (GRCh38, 1-based): chr14:45,154,763, A>G. VCF-style: chr14-45154763-A-G. GRCh37 (hg19) VCF-style: chr14-45623966-A-G.
Other names: c.1172A>G, p.Glu391Gly (NM_001308133.2); c.1250A>G, p.Glu417Gly (NM_001308134.2); short protein forms E391G, E417G.
Identifiers: ClinVar variation 5036658 (VCV005036658.1).